The following is an entry in ClinVar:

NM_144596.4(TTC8):c.710+4A>C

Gene: TTC8 (tetratricopeptide repeat domain 8; plus strand). Cytogenetic location: 14q31.3.
Variant type: single nucleotide variant.
Coding change: c.710+4A>C on transcript NM_144596.4 (MANE Select); 4 bases into the intron after coding-DNA position 710, A replaced by C.
Molecular consequence: intron variant.
Genome position (GRCh38, 1-based): chr14:88,853,060, A>C. VCF-style: chr14-88853060-A-C. GRCh37 (hg19) VCF-style: chr14-89319404-A-C.
Other names: c.116+4A>C (NM_001288782.1); c.758+4A>C (NM_001288781.1); c.680+4A>C (NM_198309.3, NM_001366535.2); c.-8+4A>C (NM_001288783.1); c.590+4A>C (NM_198310.3, NM_001366536.2).
Identifiers: ClinVar variation 1480258 (VCV001480258.6), dbSNP rs1352481954, ClinGen allele CA487521063.
Genomic context (GRCh38, chr14:88,853,060, plus strand): 5'-ACATTCTCAGTACAAGGACTGGTGGTGGAAAGTACAGATTGGAAAATGTTACTACAGGTA[A>C]ATTTCATTATTTGTGAAGGGCTTAGAAGTGGCCACGTATTTTAGGGTCTCAAATCTGATA-3'

ClinVar aggregate classification (germline): Uncertain significance. Review status: criteria provided, multiple submitters, no conflicts (2 of 4 stars). 2 submissions from 2 submitters: Uncertain significance (2). Last evaluated 2024-10-26.

Conditions:
Retinitis pigmentosa 51 (RP51). Identifiers: Orphanet 791, MedGen C3150715, MONDO:0013274, OMIM 613464.
Bardet-Biedl syndrome 8 (BBS8). Identifiers: Orphanet 110, MedGen C1859566, MONDO:0014436, OMIM 615985.
Bardet-Biedl syndrome (BBS). Identifiers: Orphanet 110, MedGen C0752166, MONDO:0015229.

Allele frequency attached by ClinVar (database versions not stated): gnomAD exomes below 0.00001; TOPMed below 0.00001.
gnomAD v4.1: 2 of 1,609,616 alleles (0.00012%); highest among the groups gnomAD compares: Non-Finnish European, 0.00017%; no homozygotes.

Submissions (2):

Labcorp Genetics (formerly Invitae), Labcorp
Classification: Uncertain significance for Bardet-Biedl syndrome. Last evaluated: 2024-10-26. Review status: criteria provided, single submitter. Criteria: Invitae Variant Classification Sherloc (09022015). Collection method: clinical testing. Allele origin: germline.
Comment: This sequence change falls in intron 8 of the TTC8 gene. It does not directly change the encoded amino acid sequence of the TTC8 protein. It affects a nucleotide within the consensus splice site. This variant is present in population databases (no rsID available, gnomAD 0.0009%). This variant has not been reported in the literature in individuals affected with TTC8-related conditions. ClinVar contains an entry for this variant (Variation ID: 1480258). Variants that disrupt the consensus splice site are a relatively common cause of aberrant splicing (PMID: 17576681, 9536098). Algorithms developed to predict the effect of sequence changes on RNA splicing suggest that this variant is not likely to affect RNA splicing. In summary, the available evidence is currently insufficient to determine the role of this variant in disease. Therefore, it has been classified as a Variant of Uncertain Significance.

Fulgent Genetics
Classification: Uncertain significance for Retinitis pigmentosa 51; Bardet-Biedl syndrome 8. Last evaluated: 2024-01-29. Review status: criteria provided, single submitter. Criteria: ACMG Guidelines, 2015. Collection method: clinical testing. Allele origin: germline.

Literature cited by the submitters: PubMed 17576681 (cited by Labcorp Genetics (formerly Invitae), Labcorp); PubMed 9536098 (cited by Labcorp Genetics (formerly Invitae), Labcorp).